The following is an entry in ClinVar:

ClinVar aggregate classification (germline): Likely benign (1 of 4 stars; one submission).

Allele frequency attached by ClinVar (database versions not stated): gnomAD exomes below 0.00001; gnomAD 0.00001; TOPMed 0.00001; ExAC 0.00003.
gnomAD v4.1: 9 of 1,602,366 alleles (0.00056%); highest among the groups gnomAD compares: African/African-American, 0.0054%; no homozygotes.

Submission:

CeGaT Center for Human Genetics Tuebingen
Classification: Likely benign. Last evaluated: 2022-08-01. Review status: criteria provided, single submitter. Criteria: CeGaT Center For Human Genetics Tuebingen Variant Classification Criteria Version 2. Collection method: clinical testing. Allele origin: germline. Affected: yes. Observed: 1 variant allele.
Comment: RREB1: BP4, BP7

NM_001003699.4(RREB1):c.1983C>T (p.His661=)

Gene: RREB1 (ras responsive element binding protein 1; plus strand). Cytogenetic location: 6p24.3.
Variant type: single nucleotide variant.
Coding change: c.1983C>T on transcript NM_001003699.4 (MANE Select); coding-DNA position 1983, C replaced by T.
Protein change: p.His661=; no amino-acid change (histidine 661 retained).
Molecular consequence: synonymous variant.
Genome position (GRCh38, 1-based): chr6:7,230,082, C>T. VCF-style: chr6-7230082-C-T. GRCh37 (hg19) VCF-style: chr6-7230315-C-T.
Other names: c.1983C>T, p.His661= (NM_001003698.4, NM_001003700.2, NM_001168344.2).
Identifiers: ClinVar variation 2656199 (VCV002656199.24), dbSNP rs755607248, ClinGen allele CA3625694.
Genomic context (GRCh38, chr6:7,230,082, plus strand): 5'-GCTCTACCCCTGCCGCTTCTGCAACCAGGTGTTTGCCTTCTCGGGGGTCTTGCGTGCCCA[C>T]GTGCGCTCCCACCTGGGCATCTCGCCATACCAGTGCAACATCTGCGACTACATCGCCGCC-3'
Protein context (NP_001003699.1, residues 651-671): VFAFSGVLRA[His661=]VRSHLGISPY